The following is an entry in ClinVar:

ClinVar aggregate classification (germline): Pathogenic/Likely pathogenic. Review status: no assertion criteria provided (0 of 4 stars). 2 submissions from 2 submitters: Pathogenic (1); Likely pathogenic (1). Last evaluated 2018-09-10.

Conditions:
Hearing loss, autosomal recessive. Also called: Rare autosomal recessive non-syndromic sensorineural deafness type DFNB; Nonsyndromic Hearing Loss, Recessive; Deafness, autosomal recessive; Autosomal recessive nonsyndromic deafness. Identifiers: Orphanet 90635, Orphanet 90636, MedGen C1846647, MONDO:0019588, OMIM 607197.
Deafness. Identifiers: MedGen C0011053, HP:0000365.

Submissions (2):

Center for Statistical Genetics, Columbia University
Classification: Pathogenic for Deafness. Last evaluated: 2018-09-10. Review status: no assertion criteria provided. Collection method: research. Allele origin: inherited. Affected: yes.
Comment: Autosomal recessive

University of Washington Center for Mendelian Genomics, University of Washington
Classification: Likely pathogenic for non-syndromic autosomal recessive hearing loss. Review status: no assertion criteria provided. Collection method: research. Allele origin: inherited. Affected: yes.

Literature cited by the submitters: PubMed 30303587 (cited by University of Washington Center for Mendelian Genomics, University of Washington).

NM_000441.2(SLC26A4):c.1264-3C>G

Gene: SLC26A4 (solute carrier family 26 member 4; plus strand). Cytogenetic location: 7q22.3.
Variant type: single nucleotide variant.
Coding change: c.1264-3C>G on transcript NM_000441.2 (MANE Select); 3 bases into the intron before coding-DNA position 1264, C replaced by G.
Molecular consequence: intron variant.
Genome position (GRCh38, 1-based): chr7:107,694,400, C>G. VCF-style: chr7-107694400-C-G. GRCh37 (hg19) VCF-style: chr7-107334845-C-G.
Identifiers: ClinVar variation 560908 (VCV000560908.2), dbSNP rs1562835391, ClinGen allele CA658821805.